The following is an entry in ClinVar:

ClinVar aggregate classification (germline): Uncertain significance. Review status: criteria provided, multiple submitters, no conflicts (2 of 4 stars). 3 submissions from 3 submitters: Uncertain significance (2). 1 of the submissions does not count toward it. Last evaluated 2022-02-15.

Conditions:
Fanconi anemia (FA). Also called: Fanconi's anemia. Identifiers: Orphanet 84, MedGen C0015625, MeSH D005199, MONDO:0019391.
Fanconi anemia complementation group G. Also called: FANCG-Related Fanconi Anemia; Fanconi anemia group G. Identifiers: Orphanet 84, MedGen C3469527, MONDO:0013565, OMIM 614082.

Allele frequency attached by ClinVar (database versions not stated): gnomAD exomes 0.00003; ExAC 0.00005; ESP Exome Variant Server 0.00008; TOPMed 0.00008; gnomAD 0.00010 and 0.00011; 1000 Genomes Project 30x 0.00031; 1000 Genomes Project 0.00040.
gnomAD v4.1: 42 of 1,614,092 alleles (0.0026%); highest among the groups gnomAD compares: African/African-American, 0.021%; no homozygotes.

Submissions (3):

Fulgent Genetics
Classification: Uncertain significance for Fanconi anemia complementation group G. Last evaluated: 2022-02-15. Review status: criteria provided, single submitter. Criteria: ACMG Guidelines, 2015. Collection method: clinical testing. Allele origin: unknown.

Labcorp Genetics (formerly Invitae), Labcorp
Classification: Uncertain significance for Fanconi anemia. Last evaluated: 2021-08-20. Review status: criteria provided, single submitter. Criteria: Invitae Variant Classification Sherloc (09022015). Collection method: clinical testing. Allele origin: germline.
Comment: This sequence change replaces arginine with glutamine at codon 485 of the FANCG protein (p.Arg485Gln). The arginine residue is moderately conserved and there is a small physicochemical difference between arginine and glutamine. This variant is present in population databases (rs77152961, ExAC 0.04%). This missense change has been observed in individual(s) with breast cancer (PMID: 26689913). ClinVar contains an entry for this variant (Variation ID: 239963). Algorithms developed to predict the effect of missense changes on protein structure and function output the following: SIFT: "Tolerated"; PolyPhen-2: "Benign"; Align-GVGD: "Class C0". The glutamine amino acid residue is found in multiple mammalian species, which suggests that this missense change does not adversely affect protein function. Algorithms developed to predict the effect of sequence changes on RNA splicing suggest that this variant may create or strengthen a splice site. In summary, the available evidence is currently insufficient to determine the role of this variant in disease. Therefore, it has been classified as a Variant of Uncertain Significance.

Natera, Inc.
Classification: Uncertain significance for Fanconi anemia group G. Last evaluated: 2019-10-28. Review status: no assertion criteria provided. Collection method: clinical testing. Allele origin: germline. Not counted in ClinVar's aggregate classification.

Literature cited by the submitters: PubMed 26689913 (cited by Labcorp Genetics (formerly Invitae), Labcorp).

NM_004629.2(FANCG):c.1454G>A (p.Arg485Gln)

Gene: FANCG (FA complementation group G; minus strand). Cytogenetic location: 9p13.3.
Variant type: single nucleotide variant.
Coding change: c.1454G>A on transcript NM_004629.2 (MANE Select); coding-DNA position 1454, G replaced by A.
Protein change: p.Arg485Gln; replaces arginine 485 with glutamine.
Molecular consequence: missense variant.
Genome position (GRCh38, 1-based): chr9:35,075,305, C>T on the plus strand (G>A on the coding strand, the complement: FANCG is on the minus strand). VCF-style: chr9-35075305-C-T. GRCh37 (hg19) VCF-style: chr9-35075302-C-T.
Other names: short protein forms R485Q.
Identifiers: ClinVar variation 239963 (VCV000239963.4), dbSNP rs77152961, ClinGen allele CA5039735.